The following is an entry in ClinVar:

ClinVar aggregate classification (germline): Uncertain significance (1 of 4 stars; one submission).

Submission:

GeneDx
Classification: Uncertain significance. Last evaluated: 2019-09-19. Review status: criteria provided, single submitter. Criteria: GeneDx Variant Classification Process June 2021. Collection method: clinical testing. Allele origin: germline. Affected: yes.
Comment: Not observed in large population cohorts (Lek et al., 2016); In silico analysis, which includes protein predictors and evolutionary conservation, supports a deleterious effect; Has not been previously published as pathogenic or benign to our knowledge

NM_006593.4(TBR1):c.1751A>T (p.Glu584Val)

Gene: TBR1 (T-box brain transcription factor 1; plus strand). Cytogenetic location: 2q24.2.
Variant type: single nucleotide variant.
Coding change: c.1751A>T on transcript NM_006593.4 (MANE Select); coding-DNA position 1751, A replaced by T.
Protein change: p.Glu584Val; replaces glutamic acid 584 with valine.
Molecular consequence: missense variant.
Genome position (GRCh38, 1-based): chr2:161,423,929, A>T. VCF-style: chr2-161423929-A-T. GRCh37 (hg19) VCF-style: chr2-162280440-A-T.
Other names: short protein forms E584V.
Identifiers: ClinVar variation 1190551 (VCV001190551.2), dbSNP rs2105282733, ClinGen allele CA349214384.